The following is an entry in ClinVar:

ClinVar aggregate classification (germline): Likely benign. Review status: criteria provided, multiple submitters, no conflicts (2 of 4 stars). 3 submissions from 3 submitters: Likely benign (3). Last evaluated 2024-02-11.

Conditions:
Familial colorectal cancer type X. Identifiers: Orphanet 440437, MedGen C3896578, MONDO:0018604.
Ataxia-telangiectasia syndrome (AT). Also called: LOUIS-BAR SYNDROME; Cerebello-oculocutaneous telangiectasia; Immunodeficiency with ataxia telangiectasia; Ataxia-telangiectasia, complementation group D; AT, COMPLEMENTATION GROUP C; Ataxia-telangiectasia, complementation group E. Identifiers: Orphanet 100, MedGen C0004135, MONDO:0008840, OMIM 208900.

Submissions (3):

Labcorp Genetics (formerly Invitae), Labcorp
Classification: Likely benign for Ataxia-telangiectasia syndrome. Last evaluated: 2024-02-11. Review status: criteria provided, single submitter. Criteria: Invitae Variant Classification Sherloc (09022015). Collection method: clinical testing. Allele origin: germline.

Department of Pathology and Laboratory Medicine, Sinai Health System
Classification: Likely benign for Familial colorectal cancer type X. Last evaluated: 2020-03-26. Review status: criteria provided, single submitter. Criteria: ACMG Guidelines, 2015. Collection method: clinical testing. Allele origin: germline. Affected: yes.

GeneDx
Classification: Likely benign. Last evaluated: 2016-09-07. Review status: criteria provided, single submitter. Criteria: GeneDx Variant Classification (06012015). Collection method: clinical testing. Allele origin: germline. Affected: yes.
Comment: This variant is considered likely benign or benign based on one or more of the following criteria: it is a conservative change, it occurs at a poorly conserved position in the protein, it is predicted to be benign by multiple in silico algorithms, and/or has population frequency not consistent with disease.

NM_000051.4(ATM):c.8208T>C (p.Asn2736=)

Genes: ATM (ATM serine/threonine kinase; plus strand), C11orf65 (chromosome 11 open reading frame 65; minus strand). Cytogenetic location: 11q22.3.
Variant type: single nucleotide variant.
Coding change: c.8208T>C on transcript NM_000051.4 (MANE Select); coding-DNA position 8208, T replaced by C.
Protein change: p.Asn2736=; no amino-acid change (asparagine 2736 retained).
Molecular consequence: synonymous variant. On other transcripts: intron variant (2).
Genome position (GRCh38, 1-based): chr11:108,335,901, T>C. VCF-style: chr11-108335901-T-C. GRCh37 (hg19) VCF-style: chr11-108206628-T-C.
Other names: c.8208T>C, p.Asn2736= (NM_001351834.2); c.641-26830A>G (NM_001330368.2); c.695-609A>G (NM_001351110.2).
Identifiers: ClinVar variation 389082 (VCV000389082.11), dbSNP rs1057523318, ClinGen allele CA16606123.